The following is an entry in ClinVar:

ClinVar aggregate classification (germline): Uncertain significance (1 of 4 stars; one submission).

gnomAD v4.1: 11 of 1,613,934 alleles (0.00068%); highest among the groups gnomAD compares: Middle Eastern, 0.05%; no homozygotes.

Submission:

Labcorp Genetics (formerly Invitae), Labcorp
Classification: Uncertain significance. Last evaluated: 2025-01-14. Review status: criteria provided, single submitter. Criteria: Invitae Variant Classification Sherloc (09022015). Collection method: clinical testing. Allele origin: germline.
Comment: This sequence change replaces arginine, which is basic and polar, with tryptophan, which is neutral and slightly polar, at codon 523 of the COL7A1 protein (p.Arg523Trp). This variant is present in population databases (no rsID available, gnomAD 0.003%). This variant has not been reported in the literature in individuals affected with COL7A1-related conditions. ClinVar contains an entry for this variant (Variation ID: 2183566). Invitae Evidence Modeling of protein sequence and biophysical properties (such as structural, functional, and spatial information, amino acid conservation, physicochemical variation, residue mobility, and thermodynamic stability) indicates that this missense variant is not expected to disrupt COL7A1 protein function with a negative predictive value of 95%. In summary, the available evidence is currently insufficient to determine the role of this variant in disease. Therefore, it has been classified as a Variant of Uncertain Significance.

NM_000094.4(COL7A1):c.1567C>T (p.Arg523Trp)

Gene: COL7A1 (collagen type VII alpha 1 chain; minus strand). Cytogenetic location: 3p21.31.
Variant type: single nucleotide variant.
Coding change: c.1567C>T on transcript NM_000094.4 (MANE Select); coding-DNA position 1567, C replaced by T.
Protein change: p.Arg523Trp; replaces arginine 523 with tryptophan.
Molecular consequence: missense variant.
Genome position (GRCh38, 1-based): chr3:48,591,533, G>A on the plus strand (C>T on the coding strand, the complement: COL7A1 is on the minus strand). VCF-style: chr3-48591533-G-A. GRCh37 (hg19) VCF-style: chr3-48628966-G-A.
Other names: short protein forms R523W.
Identifiers: ClinVar variation 2183566 (VCV002183566.4), dbSNP rs996046539, ClinGen allele CA73991470.
Genomic context (GRCh38, chr3:48,591,533, plus strand): 5'-TGCGCACAATGATGCGGTACTGGGTGGCACCAGGGACTGGGCTCCAGGACACTCGCACCC[G>A]CTGCCCGGGCAGCTCGGTGGCTTGCAGGTCTGTTACAGGGCTCACAGGCAGCTCTGGTCC-3'
Protein context (NP_000085.1, residues 513-533): DLQATELPGQ[Arg523Trp]VRVSWSPVPG